The following is an entry in ClinVar:

ClinVar aggregate classification (germline): Pathogenic (1 of 4 stars; one submission).

Conditions:
Hereditary cancer-predisposing syndrome. Also called: Neoplastic Syndromes, Hereditary; Tumor predisposition; Hereditary Cancer Syndrome; Hereditary neoplastic syndrome. Identifiers: Orphanet 140162, MedGen C0027672, MeSH D009386, MONDO:0015356.

Submission:

Ambry Genetics
Classification: Pathogenic for Hereditary cancer-predisposing syndrome. Last evaluated: 2021-11-17. Review status: criteria provided, single submitter. Criteria: Ambry Variant Classification Scheme 2023. Collection method: clinical testing. Allele origin: germline.
Comment: The c.213_214delCT pathogenic mutation, located in coding exon 3 of the RAD51D gene, results from a deletion of two nucleotides at nucleotide positions 213 to 214, causing a translational frameshift with a predicted alternate stop codon (p.Y72Rfs*18). This variant is considered to be rare based on population cohorts in the Genome Aggregation Database (gnomAD). This alteration is expected to result in loss of function by premature protein truncation or nonsense-mediated mRNA decay. As such, this alteration is interpreted as a disease-causing mutation.

NM_002878.4(RAD51D):c.213_214del (p.Tyr72fs)

Genes: RAD51L3-RFFL (RAD51L3-RFFL readthrough; minus strand), RAD51D (RAD51 paralog D; minus strand). Cytogenetic location: 17q12.
Variant type: Microsatellite.
Coding change: c.213_214del on transcript NM_002878.4 (MANE Select); coding-DNA positions 213 to 214, 2 bases deleted (CT; older notation c.213_214delCT).
Protein change: p.Tyr72fs; shifts the reading frame from tyrosine 72.
Molecular consequence: frameshift variant. On other transcripts: intron variant (2).
Genome position (GRCh38, 1-based): chr17:35,118,550-35,118,551, AG deleted on the plus strand (CT on the coding strand, the reverse complement: RAD51D is on the minus strand); deleting any 2 consecutive bases within chr17:35,118,550-35,118,554 gives the same sequence; the c. name uses the placement nearest the transcript's 3' end. VCF-style (leftmost placement, unchanged base first): chr17-35118549-TAG-T. GRCh37 (hg19) VCF-style: chr17-33445568-TAG-T.
Other names: c.210_211TC[1], p.Tyr72Argfs (NM_002878.3); c.144+560_144+561del (NM_133629.3, NM_001142571.2); c.213_214delCT (NM_002878.3); short protein forms Y72fs.
Identifiers: ClinVar variation 1786382 (VCV001786382.2), dbSNP rs2509181749, ClinGen allele CA2580613117.
Genomic context (GRCh38, chr17:35,118,549, plus strand): 5'-ACACACACAAACCTGCCAATGCCAGTGGACAGGATGGCAGTGGAGGTCTTCAGTTCCTCG[TAG>T]AGATCAGCGCCATTCACGGGGAAAGCCGAGAACTGAGCCAGCAGCACCCGCCTCAGGGCA-3'